The following is an entry in ClinVar:

ClinVar aggregate classification (germline): Uncertain significance (1 of 4 stars; one submission).

Submission:

Women's Health and Genetics/Laboratory Corporation of America, LabCorp
Classification: Uncertain significance. Last evaluated: 2025-10-23. Review status: criteria provided, single submitter. Criteria: LabCorp Variant Classification Summary - May 2015. Collection method: clinical testing. Allele origin: germline.
Comment: Variant summary: TNXB c.7417_7665del (p.Arg2473_Gln2555del) predicted to result in an in-frame deletion that is expected to remove 83 amino acids from the Fibronectin type III repeat domain (IPR003961) of the encoded protein. The variant was absent in 246822 control chromosomes in the gnomAD database (Structural Variants v2.1 dataset). However, the TNXB gene is known to be located in a region affected by copy number variability and pseudogene interference, therefore the gnomAD frequency data for copy number variants in this region might not be reliable. The available data on variant occurrences in the general population are insufficient to allow any conclusion about variant significance. To our knowledge, no occurrence of c.7417_7665del in individuals affected with Ehlers-Danlos syndrome due to tenascin-X deficiency and no experimental evidence demonstrating its impact on protein function have been reported. ClinVar contains an entry for this variant (Variation ID: 3768722). Based on the evidence outlined above, the variant was classified as uncertain significance.

NM_019105.8:c.7417_7665del

Gene: TNXB (tenascin XB; minus strand).
Variant type: Deletion.
Other names: c.7417_7665del (NM_019105.8).
Identifiers: ClinVar variation 3768722 (VCV003768722.2).